The following is an entry in ClinVar:

ClinVar aggregate classification (germline): Pathogenic (1 of 4 stars; one submission).

Conditions:
Baller-Gerold syndrome (BGS). Also called: CRANIOSYNOSTOSIS WITH RADIAL DEFECTS. Identifiers: Orphanet 1225, MedGen C0265308, MONDO:0009039, OMIM 218600.

Submission:

Labcorp Genetics (formerly Invitae), Labcorp
Classification: Pathogenic for Baller-Gerold syndrome. Last evaluated: 2023-07-17. Review status: criteria provided, single submitter. Criteria: Invitae Variant Classification Sherloc (09022015). Collection method: clinical testing. Allele origin: germline.
Comment: For these reasons, this variant has been classified as Pathogenic. This variant has not been reported in the literature in individuals affected with RECQL4-related conditions. This variant is not present in population databases (gnomAD no frequency). This sequence change creates a premature translational stop signal (p.Glu9*) in the RECQL4 gene. It is expected to result in an absent or disrupted protein product. Loss-of-function variants in RECQL4 are known to be pathogenic (PMID: 12734318, 12952869).

Literature cited by the submitters: PubMed 12734318; PubMed 12952869.

NM_004260.4(RECQL4):c.25G>T (p.Glu9Ter)

Genes: RECQL4 (RecQ like helicase 4; minus strand), LOC130001411 (ATAC-STARR-seq lymphoblastoid silent region 19699; plus strand). Cytogenetic location: 8q24.3.
Variant type: single nucleotide variant.
Coding change: c.25G>T on transcript NM_004260.4 (MANE Select); coding-DNA position 25, G replaced by T.
Protein change: p.Glu9Ter; replaces glutamic acid 9 with a stop codon.
Molecular consequence: nonsense. On other transcripts: 5 prime UTR variant (17), non-coding transcript variant (3).
Genome position (GRCh38, 1-based): chr8:144,517,760, C>A on the plus strand (G>T on the coding strand, the complement: RECQL4 is on the minus strand). VCF-style: chr8-144517760-C-A. GRCh37 (hg19) VCF-style: chr8-145743144-C-A.
Other names: c.25G>T, p.Glu9Ter (NM_001413017.1, NM_001413018.1, NM_001413019.1 and 6 more transcripts); c.-761G>T (NM_001413021.1); c.-1112G>T (NM_001413022.1, NM_001413023.1, NM_001413037.1 and 2 more transcripts); c.-1009G>T (NM_001413024.1); c.-1109G>T (NM_001413027.1); c.-837G>T (NM_001413028.1); c.-1174G>T (NM_001413030.1, NM_001413031.1, NM_001413041.1); c.-1006G>T (NM_001413032.1); and 4 more; short protein forms E9*.
Identifiers: ClinVar variation 2744227 (VCV002744227.3), dbSNP rs1035057882, ClinGen allele CA372693950.